The following is an entry in ClinVar:

ClinVar aggregate classification (germline): Uncertain significance (1 of 4 stars; one submission).

Allele frequency attached by ClinVar (database versions not stated): ExAC 0.00009; TOPMed 0.00011; gnomAD 0.00013; 1000 Genomes Project 30x 0.00016.
gnomAD v4.1: 175 of 1,613,954 alleles (0.011%); highest among the groups gnomAD compares: Admixed American, 0.027%; no homozygotes.

Submission:

Labcorp Genetics (formerly Invitae), Labcorp
Classification: Uncertain significance. Last evaluated: 2024-10-17. Review status: criteria provided, single submitter. Criteria: Invitae Variant Classification Sherloc (09022015). Collection method: clinical testing. Allele origin: germline.
Comment: This sequence change affects codon 607 of the FBLN1 mRNA. It is a 'silent' change, meaning that it does not change the encoded amino acid sequence of the FBLN1 protein. This variant is present in population databases (rs757106014, gnomAD 0.03%). This variant has not been reported in the literature in individuals affected with FBLN1-related conditions. Algorithms developed to predict the effect of sequence changes on RNA splicing suggest that this variant may create or strengthen a splice site. In summary, the available evidence is currently insufficient to determine the role of this variant in disease. Therefore, it has been classified as a Variant of Uncertain Significance.

NM_006486.3(FBLN1):c.1821C>T (p.Arg607=)

Gene: FBLN1 (fibulin 1; plus strand). Cytogenetic location: 22q13.31.
Variant type: single nucleotide variant.
Coding change: c.1821C>T on transcript NM_006486.3 (MANE Select); coding-DNA position 1821, C replaced by T.
Protein change: p.Arg607=; no amino-acid change (arginine 607 retained).
Molecular consequence: synonymous variant.
Genome position (GRCh38, 1-based): chr22:45,574,634, C>T. VCF-style: chr22-45574634-C-T. GRCh37 (hg19) VCF-style: chr22-45970514-C-T.
Identifiers: ClinVar variation 2715483 (VCV002715483.3), dbSNP rs757106014, ClinGen allele CA10287267.